The following is an entry in ClinVar:

NM_001009999.3(KDM1A):c.1416G>A (p.Met472Ile)

Gene: KDM1A (lysine demethylase 1A; plus strand). Cytogenetic location: 1p36.12.
Variant type: single nucleotide variant.
Coding change: c.1416G>A on transcript NM_001009999.3 (MANE Select); coding-DNA position 1416, G replaced by A.
Protein change: p.Met472Ile; replaces methionine 472 with isoleucine.
Molecular consequence: missense variant.
Genome position (GRCh38, 1-based): chr1:23,071,227, G>A. VCF-style: chr1-23071227-G-A. GRCh37 (hg19) VCF-style: chr1-23397720-G-A.
Other names: c.1344G>A, p.Met448Ile (NM_001363654.2, NM_001410763.1, NM_015013.4); c.1404G>A, p.Met468Ile (NM_001410762.1); short protein forms M472I, M448I, M468I.
Identifiers: ClinVar variation 4826129 (VCV004826129.1).

ClinVar aggregate classification (germline): Uncertain significance (1 of 4 stars; one submission).

Conditions:
Inborn genetic diseases. Identifiers: MedGen C0950123, MeSH D030342.

Submission:

Ambry Genetics
Classification: Uncertain significance for Inborn genetic diseases. Last evaluated: 2026-03-14. Review status: criteria provided, single submitter. Criteria: Ambry Variant Classification Scheme 2023. Collection method: clinical testing. Allele origin: germline.
Comment: The p.M472I variant (also known as c.1416G>A), located in coding exon 13 of the KDM1A gene, results from a G to A substitution at nucleotide position 1416. The methionine at codon 472 is replaced by isoleucine, an amino acid with highly similar properties. This amino acid position is conserved. In addition, this alteration is predicted to be tolerated by in silico analysis. Based on the available evidence, the clinical significance of this variant remains unclear.